The following is an entry in ClinVar:

NM_000719.7(CACNA1C):c.3949G>A (p.Ala1317Thr)

Gene: CACNA1C (calcium voltage-gated channel subunit alpha1 C; plus strand). Cytogenetic location: 12p13.33.
Variant type: single nucleotide variant.
Coding change: c.3949G>A on transcript NM_000719.7 (MANE Select); coding-DNA position 3949, G replaced by A.
Protein change: p.Ala1317Thr; replaces alanine 1317 with threonine.
Molecular consequence: missense variant.
Genome position (GRCh38, 1-based): chr12:2,651,643, G>A. VCF-style: chr12-2651643-G-A. GRCh37 (hg19) VCF-style: chr12-2760809-G-A.
Other names: p.Ala1317Thr; c.4093G>A, p.Ala1365Thr (NM_001129827.2, NM_199460.4); c.4015G>A, p.Ala1339Thr (NM_001129829.2); c.3949G>A, p.Ala1317Thr (NM_001129830.3, NM_001129833.2, NM_001129834.2 and 7 more transcripts); c.4033G>A, p.Ala1345Thr (NM_001129831.2); c.4009G>A, p.Ala1337Thr (NM_001129832.2); c.4000G>A, p.Ala1334Thr (NM_001129836.2); c.3916G>A, p.Ala1306Thr (NM_001129837.2, NM_001129838.2, NM_001129846.2 and 1 more transcripts); and 2 more; short protein forms A1317T, A1365T, A1314T, A1339T, A1304T, A1306T, A1345T, A1334T.
Identifiers: ClinVar variation 518751 (VCV000518751.18), dbSNP rs749588699, ClinGen allele CA6389433.

ClinVar aggregate classification (germline): Conflicting classifications of pathogenicity. Review status: criteria provided, conflicting classifications (1 of 4 stars). 3 submissions from 3 submitters: Uncertain significance (2); Likely benign (1). Last evaluated 2025-10-08.

Conditions:
Cardiovascular phenotype. Identifiers: MedGen CN230736.
Long QT syndrome (LQTS). Identifiers: MedGen C0023976, MeSH D008133, MONDO:0002442. Disease mechanism: loss of function. Inheritance: Various modes of inheritance.

Allele frequency attached by ClinVar (database versions not stated): gnomAD 0.00001; gnomAD exomes 0.00001 and 0.00002; ExAC 0.00002; TOPMed 0.00004.
gnomAD v4.1: 15 of 1,613,794 alleles (0.00093%); highest among the groups gnomAD compares: Admixed American, 0.0067%; no homozygotes.

Submissions (3):

Labcorp Genetics (formerly Invitae), Labcorp
Classification: Likely benign for Long QT syndrome. Last evaluated: 2025-10-08. Review status: criteria provided, single submitter. Criteria: Invitae Variant Classification Sherloc (09022015). Collection method: clinical testing. Allele origin: germline.

Ambry Genetics
Classification: Uncertain significance for Cardiovascular phenotype. Last evaluated: 2025-03-03. Review status: criteria provided, single submitter. Criteria: Ambry Variant Classification Scheme 2023. Collection method: clinical testing. Allele origin: germline.
Comment: The p.A1317T variant (also known as c.3949G>A), located in coding exon 32 of the CACNA1C gene, results from a G to A substitution at nucleotide position 3949. The alanine at codon 1317 is replaced by threonine, an amino acid with similar properties. This amino acid position is not well conserved in available vertebrate species. In addition, the in silico prediction for this alteration is inconclusive. Based on data from gnomAD, the frequency for this variant is above the maximum credible frequency for a long QT syndrome/Timothy syndrome-causing variant in this gene based on internally established thresholds (Karczewski et al. Nature. 2020 May;581(7809):434-443; Whiffin et al. Genet Med. 2017 10;19:1151-1158). Based on the supporting evidence, this variant is unlikely to be causative of Timothy syndrome or long QT syndrome; however, its clinical significance for CACNA1C-related neurodevelopmental disorder is uncertain.

Mayo Clinic Laboratories, Mayo Clinic
Classification: Uncertain significance. Last evaluated: 2021-04-30. Review status: criteria provided, single submitter. Criteria: ACMG Guidelines, 2015. Collection method: clinical testing. Allele origin: germline.